The following is an entry in ClinVar:

NM_021930.6(RINT1):c.2062C>G (p.Gln688Glu)

Genes: EFCAB10 (EF-hand calcium binding domain 10; minus strand), RINT1 (RAD50 interactor 1; plus strand). Cytogenetic location: 7q22.3.
Variant type: single nucleotide variant.
Coding change: c.2062C>G on transcript NM_021930.6 (MANE Select); coding-DNA position 2062, C replaced by G.
Protein change: p.Gln688Glu; replaces glutamine 688 with glutamic acid.
Molecular consequence: missense variant. On other transcripts: 3 prime UTR variant (1), non-coding transcript variant (1), intron variant (2).
Genome position (GRCh38, 1-based): chr7:105,565,452, C>G. VCF-style: chr7-105565452-C-G. GRCh37 (hg19) VCF-style: chr7-105205899-C-G.
Other names: c.*97G>C (NM_001355530.2); c.1828C>G, p.Gln610Glu (NM_001346599.2); c.1039C>G, p.Gln347Glu (NM_001346600.2, NM_001346603.2); c.1138C>G, p.Gln380Glu (NM_001346601.2); c.360-5G>C (NM_001355531.2); c.384-5G>C (NM_001355526.2); short protein forms Q347E, Q380E, Q610E, Q688E.
Identifiers: ClinVar variation 2563371 (VCV002563371.3), dbSNP rs1562862027, ClinGen allele CA368815009.

ClinVar aggregate classification (germline): Uncertain significance (1 of 4 stars; one submission).

Submission:

Ambry Genetics
Classification: Uncertain significance. Last evaluated: 2025-07-31. Review status: criteria provided, single submitter. Criteria: Ambry Variant Classification Scheme 2023. Collection method: clinical testing. Allele origin: germline.
Comment: The p.Q688E variant (also known as c.2062C>G), located in coding exon 13 of the RINT1 gene, results from a C to G substitution at nucleotide position 2062. The glutamine at codon 688 is replaced by glutamic acid, an amino acid with highly similar properties. This amino acid position is conserved. In addition, this alteration is predicted to be tolerated by in silico analysis. Since supporting evidence is limited at this time, the clinical significance of this alteration remains unclear.